The following is an entry in ClinVar:

ClinVar aggregate classification (germline): Uncertain significance (1 of 4 stars; one submission).

Conditions:
Ehlers-Danlos syndrome, classic type, 1 (EDSCL1). Also called: EHLERS-DANLOS SYNDROME, GRAVIS TYPE; EHLERS-DANLOS SYNDROME, SEVERE CLASSIC TYPE; Ehlers-Danlos syndrome, type 1; EDS I; Ehlers-Danlos Syndrome, Classic Type, COL5A1-Related. Identifiers: MedGen C0268335, MONDO:0019567, OMIM 130000.

Submission:

Labcorp Genetics (formerly Invitae), Labcorp
Classification: Uncertain significance for Ehlers-Danlos syndrome, classic type, 1. Last evaluated: 2021-06-18. Review status: criteria provided, single submitter. Criteria: Invitae Variant Classification Sherloc (09022015). Collection method: clinical testing. Allele origin: germline.
Comment: This variant is not present in population databases (ExAC no frequency). In summary, the available evidence is currently insufficient to determine the role of this variant in disease. Therefore, it has been classified as a Variant of Uncertain Significance. Algorithms developed to predict the effect of sequence changes on RNA splicing suggest that this variant may create or strengthen a splice site, but this prediction has not been confirmed by published transcriptional studies. This variant has not been reported in the literature in individuals with COL5A1-related conditions. This sequence change falls in intron 6 of the COL5A1 gene. It does not directly change the encoded amino acid sequence of the COL5A1 protein.

NM_000093.5(COL5A1):c.924+8C>G

Gene: COL5A1 (collagen type V alpha 1 chain; plus strand). Cytogenetic location: 9q34.3.
Variant type: single nucleotide variant.
Coding change: c.924+8C>G on transcript NM_000093.5 (MANE Select); 8 bases into the intron after coding-DNA position 924, C replaced by G.
Molecular consequence: intron variant.
Genome position (GRCh38, 1-based): chr9:134,728,815, C>G. VCF-style: chr9-134728815-C-G. GRCh37 (hg19) VCF-style: chr9-137620661-C-G.
Other names: c.924+8C>G (NM_001278074.1).
Identifiers: ClinVar variation 1362220 (VCV001362220.8), dbSNP rs2132635461, ClinGen allele CA2573144112.